The following is an entry in ClinVar:

NM_181703.4(GJA5):c.598C>T (p.Arg200Trp)

Genes: GJA5 (gap junction protein alpha 5; minus strand), LOC122128420 (Sharpr-MPRA regulatory region 3144; plus strand). Cytogenetic location: 1q21.2.
Variant type: single nucleotide variant.
Coding change: c.598C>T on transcript NM_181703.4 (MANE Select); coding-DNA position 598, C replaced by T.
Protein change: p.Arg200Trp; replaces arginine 200 with tryptophan.
Molecular consequence: missense variant.
Genome position (GRCh38, 1-based): chr1:147,758,641, G>A on the plus strand (C>T on the coding strand, the complement: GJA5 is on the minus strand). VCF-style: chr1-147758641-G-A. GRCh37 (hg19) VCF-style: chr1-147230749-G-A.
Other names: c.598C>T, p.Arg200Trp (NM_005266.7); short protein forms R200W.
Identifiers: ClinVar variation 2145134 (VCV002145134.4), dbSNP rs1663844751, ClinGen allele CA342395474.
Genomic context (GRCh38, chr1:147,758,641, plus strand): 5'-GGAGGGACAGTGCAGCCACAGCCAGCATAAAGACAATGAAGACATTCTTCTCTGTGGGCC[G>A]GGATACGTAACAGTTGACCGGGTGGGGACAGGGACTCCTGCGGCAGACATGCAGGGTGGT-3'
Protein context (NP_859054.1, residues 190-210): CPHPVNCYVS[Arg200Trp]PTEKNVFIVF

ClinVar aggregate classification (germline): Uncertain significance (1 of 4 stars; one submission).

Conditions:
Atrial fibrillation, familial, 11 (ATFB11). Identifiers: MedGen C3279693, MONDO:0013544, OMIM 614049.
Atrial standstill 1 (ATRST1). Also called: Atrial standstill, digenic (GJA5/SCN5A); ATRIAL CARDIOMYOPATHY WITH HEART BLOCK; CARDIOMYOPATHY, FAMILIAL, WITH CONDUCTION DISTURBANCE. Identifiers: Orphanet 1344, MedGen C4551959, MONDO:0007171, OMIM 108770.

Allele frequency attached by ClinVar (database versions not stated): gnomAD exomes below 0.00001; TOPMed below 0.00001.

Submission:

Labcorp Genetics (formerly Invitae), Labcorp
Classification: Uncertain significance for Atrial fibrillation, familial, 11; Atrial standstill 1. Last evaluated: 2025-06-09. Review status: criteria provided, single submitter. Criteria: Invitae Variant Classification Sherloc (09022015). Collection method: clinical testing. Allele origin: germline.
Comment: This sequence change replaces arginine, which is basic and polar, with tryptophan, which is neutral and slightly polar, at codon 200 of the GJA5 protein (p.Arg200Trp). This variant is not present in population databases (gnomAD no frequency). This variant has not been reported in the literature in individuals affected with GJA5-related conditions. ClinVar contains an entry for this variant (Variation ID: 2145134). Invitae Evidence Modeling of protein sequence and biophysical properties (such as structural, functional, and spatial information, amino acid conservation, physicochemical variation, residue mobility, and thermodynamic stability) indicates that this missense variant is expected to disrupt GJA5 protein function with a positive predictive value of 80%. In summary, the available evidence is currently insufficient to determine the role of this variant in disease. Therefore, it has been classified as a Variant of Uncertain Significance.